The following is an entry in ClinVar:

NM_024598.4(USB1):c.503+10C>G

Gene: USB1 (U6 snRNA biogenesis phosphodiesterase 1; plus strand). Cytogenetic location: 16q21.
Variant type: single nucleotide variant.
Coding change: c.503+10C>G on transcript NM_024598.4 (MANE Select); 10 bases into the intron after coding-DNA position 503, C replaced by G.
Molecular consequence: intron variant.
Genome position (GRCh38, 1-based): chr16:58,014,336, C>G. VCF-style: chr16-58014336-C-G. GRCh37 (hg19) VCF-style: chr16-58048240-C-G.
Other names: p.?; c.350+10C>G (NM_001330568.2); c.450-2998C>G (NM_001195302.2).
Identifiers: ClinVar variation 727659 (VCV000727659.11), dbSNP rs138071183, ClinGen allele CA8084953.

ClinVar aggregate classification (germline): Likely benign. Review status: criteria provided, multiple submitters, no conflicts (2 of 4 stars). 3 submissions from 3 submitters: Likely benign (3). Last evaluated 2025-12-18.

Allele frequency attached by ClinVar (database versions not stated): TOPMed 0.00006; ExAC 0.00009; gnomAD 0.00009; gnomAD exomes 0.00009; ESP Exome Variant Server 0.00015; 1000 Genomes Project 0.00040; 1000 Genomes Project 30x 0.00047.
gnomAD v4.1: 258 of 1,610,438 alleles (0.016%); highest among the groups gnomAD compares: Non-Finnish European, 0.021%; no homozygotes.

Submissions (3):

Labcorp Genetics (formerly Invitae), Labcorp
Classification: Likely benign. Last evaluated: 2025-12-18. Review status: criteria provided, single submitter. Criteria: Invitae Variant Classification Sherloc (09022015). Collection method: clinical testing. Allele origin: germline.

Mayo Clinic Laboratories, Mayo Clinic
Classification: Likely benign. Last evaluated: 2025-10-21. Review status: criteria provided, single submitter. Criteria: ACMG Guidelines, 2015. Collection method: clinical testing. Allele origin: germline. Observed: 1 variant allele.
Comment: BP4, BP7

Blueprint Genetics
Classification: Likely benign. Last evaluated: 2023-09-27. Review status: criteria provided, single submitter. Criteria: ACMG Guidelines, 2015. Collection method: clinical testing. Allele origin: germline.